The following is an entry in ClinVar:

NM_004380.3(CREBBP):c.2577T>C (p.Pro859=)

Gene: CREBBP (CREB binding lysine acetyltransferase; minus strand). Cytogenetic location: 16p13.3.
Variant type: single nucleotide variant.
Coding change: c.2577T>C on transcript NM_004380.3 (MANE Select); coding-DNA position 2577, T replaced by C.
Protein change: p.Pro859=; no amino-acid change (proline 859 retained).
Molecular consequence: synonymous variant.
Genome position (GRCh38, 1-based): chr16:3,770,873, A>G on the plus strand (T>C on the coding strand, the complement: CREBBP is on the minus strand). VCF-style: chr16-3770873-A-G. GRCh37 (hg19) VCF-style: chr16-3820874-A-G.
Other names: c.2463T>C, p.Pro821= (NM_001079846.1).
Identifiers: ClinVar variation 3358270 (VCV003358270.3).

ClinVar aggregate classification (germline): Benign. Review status: criteria provided, single submitter (1 of 4 stars). 2 submissions from 2 submitters: Benign (1). 1 of the submissions does not count toward it. Last evaluated 2025-06-12.

Conditions:
CREBBP-related disorder. Also called: CREBBP-related condition; CREBBP-related disorders.
Rubinstein-Taybi syndrome (RSTS). Identifiers: Orphanet 783, MedGen C0035934, MONDO:0019188.

gnomAD v4.1: 3 of 1,613,768 alleles (0.00019%); highest among the groups gnomAD compares: African/African-American, 0.004%; no homozygotes.

Submissions (2):

Labcorp Genetics (formerly Invitae), Labcorp
Classification: Benign for Rubinstein-Taybi syndrome. Last evaluated: 2025-06-12. Review status: criteria provided, single submitter. Criteria: Invitae Variant Classification Sherloc (09022015). Collection method: clinical testing. Allele origin: germline.

PreventionGenetics, part of Exact Sciences
Classification: Likely benign for CREBBP-related condition. Last evaluated: 2022-07-03. Review status: no assertion criteria provided. Collection method: clinical testing. Allele origin: germline. Not counted in ClinVar's aggregate classification.
Comment: This variant is classified as likely benign based on ACMG/AMP sequence variant interpretation guidelines (Richards et al. 2015 PMID: 25741868, with internal and published modifications).